The following is an entry in ClinVar:

ClinVar aggregate classification (germline): Uncertain significance. Review status: criteria provided, multiple submitters, no conflicts (2 of 4 stars). 2 submissions from 2 submitters: Uncertain significance (2). Last evaluated 2025-11-03.

Conditions:
Aicardi-Goutieres syndrome 4. Identifiers: Orphanet 51, MedGen C1835912, MONDO:0012472, OMIM 610333.
Inborn genetic diseases. Identifiers: MedGen C0950123, MeSH D030342.

Allele frequency attached by ClinVar (database versions not stated): gnomAD 0.00001; ExAC 0.00002; gnomAD exomes 0.00002; TOPMed 0.00003.

Submissions (2):

Labcorp Genetics (formerly Invitae), Labcorp
Classification: Uncertain significance for Aicardi-Goutieres syndrome 4. Last evaluated: 2025-11-03. Review status: criteria provided, single submitter. Criteria: Invitae Variant Classification Sherloc (09022015). Collection method: clinical testing. Allele origin: germline.
Comment: This sequence change replaces glycine, which is neutral and non-polar, with arginine, which is basic and polar, at codon 159 of the RNASEH2A protein (p.Gly159Arg). This variant is present in population databases (rs746950188, gnomAD 0.01%). This variant has not been reported in the literature in individuals affected with RNASEH2A-related conditions. ClinVar contains an entry for this variant (Variation ID: 1401566). Invitae Evidence Modeling of protein sequence and biophysical properties (such as structural, functional, and spatial information, amino acid conservation, physicochemical variation, residue mobility, and thermodynamic stability) indicates that this missense variant is not expected to disrupt RNASEH2A protein function with a negative predictive value of 80%. In summary, the available evidence is currently insufficient to determine the role of this variant in disease. Therefore, it has been classified as a Variant of Uncertain Significance.

Ambry Genetics
Classification: Uncertain significance for Inborn genetic diseases. Last evaluated: 2025-08-23. Review status: criteria provided, single submitter. Criteria: Ambry Variant Classification Scheme 2023. Collection method: clinical testing. Allele origin: germline.

NM_006397.3(RNASEH2A):c.475G>A (p.Gly159Arg)

Gene: RNASEH2A (ribonuclease H2 subunit A; plus strand). Cytogenetic location: 19p13.13.
Variant type: single nucleotide variant.
Coding change: c.475G>A on transcript NM_006397.3 (MANE Select); coding-DNA position 475, G replaced by A.
Protein change: p.Gly159Arg; replaces glycine 159 with arginine.
Molecular consequence: missense variant.
Genome position (GRCh38, 1-based): chr19:12,810,134, G>A. VCF-style: chr19-12810134-G-A. GRCh37 (hg19) VCF-style: chr19-12920948-G-A.
Other names: c.475G>A (NM_006397.2); short protein forms G159R.
Identifiers: ClinVar variation 1401566 (VCV001401566.5), dbSNP rs746950188, ClinGen allele CA9231914.